The following is an entry in ClinVar:

NM_080680.3(COL11A2):c.4840A>C (p.Thr1614Pro)

Gene: COL11A2 (collagen type XI alpha 2 chain; minus strand). Cytogenetic location: 6p21.32.
Variant type: single nucleotide variant.
Coding change: c.4840A>C on transcript NM_080680.3 (MANE Select); coding-DNA position 4840, A replaced by C.
Protein change: p.Thr1614Pro; replaces threonine 1614 with proline.
Molecular consequence: missense variant.
Genome position (GRCh38, 1-based): chr6:33,164,875, T>G on the plus strand (A>C on the coding strand, the complement: COL11A2 is on the minus strand). VCF-style: chr6-33164875-T-G. GRCh37 (hg19) VCF-style: chr6-33132652-T-G.
Other names: c.4519A>C, p.Thr1507Pro (NM_080679.3); c.4582A>C, p.Thr1528Pro (NM_080681.3); c.4840A>C (NM_080680.2); short protein forms T1528P, T1614P, T1507P.
Identifiers: ClinVar variation 2141952 (VCV002141952.8), dbSNP rs750038327, ClinGen allele CA3749990.
Genomic context (GRCh38, chr6:33,164,875, plus strand): 5'-TGGGGCAGGGGAGGGGCAGCGAGGGGCCAGCTCTCACCTGCGTGACGTCATCCCTAGGCG[T>G]CACACAGGTCTCACCCCCTGCTGTGAAGTTGCAGAAAACTCGGAAGGCATCCCGAGCACA-3'
Protein context (NP_542411.2, residues 1604-1624): NFTAGGETCV[Thr1614Pro]PRDDVTQFSY

ClinVar aggregate classification (germline): Conflicting classifications of pathogenicity. Review status: criteria provided, conflicting classifications (1 of 4 stars). 4 submissions from 4 submitters: Uncertain significance (3); Likely benign (1). Last evaluated 2026-04-21.

Conditions:
Inborn genetic diseases. Identifiers: MedGen C0950123, MeSH D030342.
COL11A2-related disorder. Also called: COL11A2-related condition; COL11A2-related disorders.

Allele frequency attached by ClinVar (database versions not stated): TOPMed below 0.00001; gnomAD 0.00001; gnomAD exomes 0.00003; ExAC 0.00008.
gnomAD v4.1: 48 of 1,566,664 alleles (0.0031%); highest among the groups gnomAD compares: Middle Eastern, 0.017%; no homozygotes.

Submissions (4):

PreventionGenetics, part of Exact Sciences
Classification: Uncertain significance for COL11A2-related condition. Last evaluated: 2026-04-21. Review status: criteria provided, single submitter. Criteria: ACMG Guidelines, 2015. Collection method: clinical testing. Allele origin: germline.
Comment: The COL11A2 c.4840A>C variant is predicted to result in the amino acid substitution p.Thr1614Pro. To our knowledge, this variant has not been reported in the literature. This variant is present in 0.010% of alleles in individuals of European (Non-Finnish) descent in gnomAD. At this time, the clinical significance of this variant is uncertain due to the absence of conclusive functional and genetic evidence.

Labcorp Genetics (formerly Invitae), Labcorp
Classification: Likely benign. Last evaluated: 2025-11-10. Review status: criteria provided, single submitter. Criteria: Invitae Variant Classification Sherloc (09022015). Collection method: clinical testing. Allele origin: germline.

GeneDx
Classification: Uncertain significance. Last evaluated: 2025-09-02. Review status: criteria provided, single submitter. Criteria: GeneDx Variant Classification Process June 2021. Collection method: clinical testing. Allele origin: germline.
Comment: Has not been previously published as pathogenic or benign to our knowledge; In silico analysis suggests that this missense variant does not alter protein structure/function

Ambry Genetics
Classification: Uncertain significance for Inborn genetic diseases. Last evaluated: 2025-08-27. Review status: criteria provided, single submitter. Criteria: Ambry Variant Classification Scheme 2023. Collection method: clinical testing. Allele origin: germline.